The following is an entry in ClinVar:

ClinVar aggregate classification (germline): Uncertain significance (1 of 4 stars; one submission).

Conditions:
EPCAM-related disorder. Also called: EPCAM-related condition.

Submission:

PreventionGenetics, part of Exact Sciences
Classification: Uncertain significance for EPCAM-related condition. Last evaluated: 2023-05-23. Review status: criteria provided, single submitter. Criteria: ACMG Guidelines, 2015. Collection method: clinical testing. Allele origin: germline.
Comment: The EPCAM c.388G>A variant is predicted to result in the amino acid substitution p.Asp130Asn. To our knowledge, this variant has not been reported in the literature or in a large population database, indicating this variant is rare. At this time, the clinical significance of this variant is uncertain due to the absence of conclusive functional and genetic evidence.

NM_002354.3(EPCAM):c.388G>A (p.Asp130Asn)

Gene: EPCAM (epithelial cell adhesion molecule; plus strand). Cytogenetic location: 2p21.
Variant type: single nucleotide variant.
Coding change: c.388G>A on transcript NM_002354.3 (MANE Select); coding-DNA position 388, G replaced by A.
Protein change: p.Asp130Asn; replaces aspartic acid 130 with asparagine.
Molecular consequence: missense variant.
Genome position (GRCh38, 1-based): chr2:47,374,011, G>A. VCF-style: chr2-47374011-G-A. GRCh37 (hg19) VCF-style: chr2-47601150-G-A.
Other names: short protein forms D130N.
Identifiers: ClinVar variation 2632195 (VCV002632195.1), dbSNP rs1671356501, ClinGen allele CA346723437.